The following is an entry in ClinVar:

ClinVar aggregate classification (germline): Uncertain significance. Review status: criteria provided, multiple submitters, no conflicts (2 of 4 stars). 6 submissions from 6 submitters: Uncertain significance (6). Last evaluated 2025-12-16.

Conditions:
Hereditary cancer-predisposing syndrome. Also called: Tumor predisposition; Hereditary Cancer Syndrome; Hereditary neoplastic syndrome; Neoplastic Syndromes, Hereditary. Identifiers: Orphanet 140162, MedGen C0027672, MeSH D009386, MONDO:0015356.
Familial cancer of breast. Also called: BREAST CANCER, FAMILIAL; Hereditary breast cancer; hereditary breast carcinoma. Identifiers: Orphanet 227535, MedGen C0346153, MONDO:0016419, OMIM 114480. Disease mechanism: loss of function.

Allele frequency attached by ClinVar (database versions not stated): gnomAD exomes below 0.00001.

Submissions (6):

Color Diagnostics, LLC DBA Color Health
Classification: Uncertain significance for Hereditary cancer-predisposing syndrome. Last evaluated: 2025-12-16. Review status: criteria provided, single submitter. Criteria: ACMG Guidelines, 2015. Collection method: clinical testing. Allele origin: germline.
Comment: This missense variant replaces glutamic acid with glycine at codon 161 of the CHEK2 protein. Computational prediction suggests that this variant may have deleterious impact on protein structure and function. Functional studies have reported this variant demonstrated intermediate activity in CHK2 autophosphorylation and KAP1 kinase assays (PMID: 37449874). This variant has been reported in individuals affected with brain, colorectal and breast cancer (PMID: 28779002, 28944238, 34326862). This variant has been identified in 2/1614134 chromosomes in the general population by the Genome Aggregation Database (gnomAD). The available evidence is insufficient to determine the role of this variant in disease conclusively. Therefore, this variant is classified as a Variant of Uncertain Significance.

Labcorp Genetics (formerly Invitae), Labcorp
Classification: Uncertain significance for Familial cancer of breast. Last evaluated: 2025-03-12. Review status: criteria provided, single submitter. Criteria: Invitae Variant Classification Sherloc (09022015). Collection method: clinical testing. Allele origin: germline.
Comment: This sequence change replaces glutamic acid, which is acidic and polar, with glycine, which is neutral and non-polar, at codon 161 of the CHEK2 protein (p.Glu161Gly). This variant is present in population databases (rs730881683, gnomAD 0.0009%). This missense change has been observed in individual(s) with CHEK2-related conditions (PMID: 34326862). ClinVar contains an entry for this variant (Variation ID: 182426). An algorithm developed to predict the effect of missense changes on protein structure and function (PolyPhen-2) suggests that this variant is likely to be disruptive. In summary, the available evidence is currently insufficient to determine the role of this variant in disease. Therefore, it has been classified as a Variant of Uncertain Significance.

Ambry Genetics
Classification: Uncertain significance for Hereditary cancer-predisposing syndrome. Last evaluated: 2024-12-18. Review status: criteria provided, single submitter. Criteria: Ambry Variant Classification Scheme 2023. Collection method: clinical testing. Allele origin: germline.
Comment: The p.E161G variant (also known as c.482A>G), located in coding exon 3 of the CHEK2 gene, results from an A to G substitution at nucleotide position 482. The glutamic acid at codon 161 is replaced by glycine, an amino acid with similar properties. This variant has been reported in one control patient in a study of 13087 breast cancer cases and 5488 control individuals in the UK (Decker B et al. J Med Genet, 2017 11;54:732-741). This variant was detected in a study of 1231 colorectal cancer patients and 93 controls (DeRycke MS et al. Mol Genet Genomic Med, 2017 Sep;5:553-569). This variant was also identified in a cohort of children undergoing sequencing for intellectual disability with or without additional findings (Chirita-Emandi A et al. Sci Rep, 2020 01;10:223). Additionally, this varaint was reported as functionally-intermediate in a study assessing CHEK2-complementation through quantification of KAP1 phosphorylation and CHK2 autophosphorylation in human RPE1-CHEK2-knockout cells (Stolarova L et al. Clin Cancer Res, 2023 Aug;29:3037-3050). This amino acid position is highly conserved in available vertebrate species. In addition, this alteration is predicted to be deleterious by in silico analysis. Based on the available evidence, the clinical significance of this variant remains unclear.

Baylor Genetics
Classification: Uncertain significance for Familial cancer of breast. Last evaluated: 2024-02-03. Review status: criteria provided, single submitter. Criteria: ACMG Guidelines, 2015. Collection method: clinical testing. Allele origin: unknown.

GeneDx
Classification: Uncertain significance. Last evaluated: 2022-08-23. Review status: criteria provided, single submitter. Criteria: GeneDx Variant Classification Process June 2021. Collection method: clinical testing. Allele origin: germline. Affected: yes.
Comment: Not observed at significant frequency in large population cohorts (gnomAD); In silico analysis supports that this missense variant has a deleterious effect on protein structure/function; Observed in an individual with colon cancer (DeRycke et al., 2017); This variant is associated with the following publications: (PMID: 22419737, 19782031, 31937788, 28944238)

Women's Health and Genetics/Laboratory Corporation of America, LabCorp
Classification: Uncertain significance. Last evaluated: 2017-10-06. Review status: criteria provided, single submitter. Criteria: LabCorp Variant Classification Summary - May 2015. Collection method: clinical testing. Allele origin: germline.
Comment: Variant summary: The CHEK2 c.482A>G (p.Glu161Gly) variant located in the SMAD/FHA domain superfamily (via InterPro) involves the alteration of a conserved nucleotide and 4/4 in silico tools predict a damaging outcome for this variant (SNPsandGO not captured due to low reliability index). However, these predictions have yet to be functionally assessed. This variant was found in 1/246202 control chromosomes (gnomAD) at a frequency of 0.0000041, which does not exceed the estimated maximal expected allele frequency of a pathogenic CHEK2 variant (0.0000284). In addition, multiple clinical diagnostic laboratories classified this variant as uncertain significance. The variant of interest has not, to our knowledge, been reported in affected individuals via publications. Because of the absence of clinical information and the lack of functional studies, the variant is classified as a "Variant of Uncertain Significance (VUS)," until additional information becomes available.

Literature cited by the submitters: PubMed 28779002 (cited by Color Diagnostics, LLC DBA Color Health and Ambry Genetics); PubMed 28944238 (cited by Color Diagnostics, LLC DBA Color Health and Ambry Genetics); PubMed 34326862 (cited by Color Diagnostics, LLC DBA Color Health and Labcorp Genetics (formerly Invitae), Labcorp); PubMed 37449874 (cited by Color Diagnostics, LLC DBA Color Health and Ambry Genetics); PubMed 31937788 (cited by Ambry Genetics).

NM_007194.4(CHEK2):c.482A>G (p.Glu161Gly)

Gene: CHEK2 (checkpoint kinase 2; minus strand). Cytogenetic location: 22q12.1.
Variant type: single nucleotide variant.
Coding change: c.482A>G on transcript NM_007194.4 (MANE Select); coding-DNA position 482, A replaced by G.
Protein change: p.Glu161Gly; replaces glutamic acid 161 with glycine.
Molecular consequence: missense variant. On other transcripts: 5 prime UTR variant (2), intron variant (1).
Genome position (GRCh38, 1-based): chr22:28,725,087, T>C on the plus strand (A>G on the coding strand, the complement: CHEK2 is on the minus strand). VCF-style: chr22-28725087-T-C. GRCh37 (hg19) VCF-style: chr22-29121075-T-C.
Other names: p.E161G:GAA>GGA; c.611A>G, p.Glu204Gly (NM_001005735.3, NM_001438294.1); c.-296A>G (NM_001257387.3); c.-182A>G (NM_001437942.1); c.575A>G, p.Glu192Gly (NM_001438293.1, NM_001438295.1); c.482A>G, p.Glu161Gly (NM_145862.3); c.444+156A>G (NM_001349956.3); short protein forms E161G, E204G, E192G.
Identifiers: ClinVar variation 182426 (VCV000182426.25), dbSNP rs730881683, ClinGen allele CA299065.
Genomic context (GRCh38, chr22:28,725,087, plus strand): 5'-CGGCGTTTTCCTTTCCCTACAAGCTCTGTATTTACAAAGGTTCCATTGCCACTGTGATCT[T>C]CTATGTATGCAATGTAAGAGTTTTTAGGACCCACTTCCTAAAATAGAGAACATTTTGTTT-3'
Protein context (NP_009125.1, residues 151-171): GPKNSYIAYI[Glu161Gly]DHSGNGTFVN